The following is an entry in ClinVar:

NM_000202.8(IDS):c.666C>T (p.Ala222=)

Genes: IDS (iduronate 2-sulfatase; minus strand), LOC106050102 (IDS recombination region; plus strand). Cytogenetic location: Xq28.
Variant type: single nucleotide variant.
Coding change: c.666C>T on transcript NM_000202.8 (MANE Select); coding-DNA position 666, C replaced by T.
Protein change: p.Ala222=; no amino-acid change (alanine 222 retained).
Molecular consequence: synonymous variant. On other transcripts: non-coding transcript variant (1).
Genome position (GRCh38, 1-based): chrX:149,498,149, G>A on the plus strand (C>T on the coding strand, the complement: IDS is on the minus strand). VCF-style: chrX-149498149-G-A. GRCh37 (hg19) VCF-style: chrX-148579680-G-A.
Other names: c.666C>T (NM_000202.5, NM_000202.7); c.396C>T, p.Ala132= (NM_001166550.4); c.666C>T, p.Ala222= (NM_006123.5).
Identifiers: ClinVar variation 697822 (VCV000697822.17), dbSNP rs201588028, ClinGen allele CA10537630.

ClinVar aggregate classification (germline): Benign. Review status: criteria provided, multiple submitters, no conflicts (2 of 4 stars). 5 submissions from 5 submitters: Benign (3). 2 of the submissions do not count toward it. Last evaluated 2026-01-17.

Conditions:
Inborn genetic diseases. Identifiers: MedGen C0950123, MeSH D030342.
Mucopolysaccharidosis, MPS-III-A (MPS3A). Also called: MUCOPOLYSACCHARIDOSIS, TYPE IIIA, ATTENUATED; HEPARAN SULFATE SULFATASE DEFICIENCY; SANFILIPPO SYNDROME A; SULFAMIDASE DEFICIENCY; Mucopolysaccharidosis, type IIIA; MPS III A. Identifiers: Orphanet 581, Orphanet 79269, MedGen C0086647, MONDO:0009655, OMIM 252900.
IDS-related disorder. Also called: IDS-related condition.
Mucopolysaccharidosis, MPS-II (MPS2). Also called: IDS deficiency; Sulfoiduronate sulfatase deficiency; SIDS deficiency; Mucopolysaccharidosis with skin involvement; Attenuated MPS (subtype; formerly known as mild MPS II); Severe MPS II. Identifiers: Orphanet 580, Orphanet 79388, MedGen C0026705, MONDO:0010674, OMIM 309900.

Allele frequency attached by ClinVar (database versions not stated): gnomAD 0.00036 and 0.00037; TOPMed 0.00031; gnomAD exomes 0.00034 and 0.00050; ExAC 0.00049; 1000 Genomes Project 30x 0.00042; ESP Exome Variant Server 0.00047; 1000 Genomes Project 0.00053.
gnomAD v4.1: 588 of 1,209,697 alleles (0.049%); highest among the groups gnomAD compares: East Asian, 0.24%; no homozygotes.

Submissions (5):

Labcorp Genetics (formerly Invitae), Labcorp
Classification: Benign for Mucopolysaccharidosis, MPS-II. Last evaluated: 2026-01-17. Review status: criteria provided, single submitter. Criteria: Invitae Variant Classification Sherloc (09022015). Collection method: clinical testing. Allele origin: germline.

Blueprint Genetics
Classification: Benign. Last evaluated: 2024-10-30. Review status: criteria provided, single submitter. Criteria: ACMG Guidelines, 2015. Collection method: clinical testing. Allele origin: germline.

Ambry Genetics
Classification: Benign for Inborn genetic diseases. Last evaluated: 2017-11-29. Review status: criteria provided, single submitter. Criteria: Ambry Variant Classification Scheme 2023. Collection method: clinical testing. Allele origin: germline.

Natera, Inc.
Classification: Likely benign for Mucopolysaccharidosis type IIIA. Last evaluated: 2020-03-12. Review status: no assertion criteria provided. Collection method: clinical testing. Allele origin: germline. Not counted in ClinVar's aggregate classification.

PreventionGenetics, part of Exact Sciences
Classification: Likely benign for IDS-related condition. Last evaluated: 2019-09-03. Review status: no assertion criteria provided. Collection method: clinical testing. Allele origin: germline. Not counted in ClinVar's aggregate classification.
Comment: This variant is classified as likely benign based on ACMG/AMP sequence variant interpretation guidelines (Richards et al. 2015 PMID: 25741868, with internal and published modifications).